The following is an entry in ClinVar:

NM_024529.5(CDC73):c.1300C>T (p.Leu434Phe)

Gene: CDC73 (cell division cycle 73; plus strand). Cytogenetic location: 1q31.2.
Variant type: single nucleotide variant.
Coding change: c.1300C>T on transcript NM_024529.5 (MANE Select); coding-DNA position 1300, C replaced by T.
Protein change: p.Leu434Phe; replaces leucine 434 with phenylalanine.
Molecular consequence: missense variant.
Genome position (GRCh38, 1-based): chr1:193,233,138, C>T. VCF-style: chr1-193233138-C-T. GRCh37 (hg19) VCF-style: chr1-193202268-C-T.
Other names: short protein forms L434F.
Identifiers: ClinVar variation 2450588 (VCV002450588.4), dbSNP rs2527494192, ClinGen allele CA344078040.

ClinVar aggregate classification (germline): Uncertain significance. Review status: criteria provided, multiple submitters, no conflicts (2 of 4 stars). 2 submissions from 2 submitters: Uncertain significance (2). Last evaluated 2024-05-26.

Conditions:
Parathyroid carcinoma (PRTC). Also called: CDC73-Related Parathyroid Carcinoma; Parathyroid gland carcinoma. Identifiers: Orphanet 143, MedGen C0687150, MONDO:0012004, OMIM 608266, HP:0006780.
Hereditary cancer-predisposing syndrome. Also called: Neoplastic Syndromes, Hereditary; Tumor predisposition; Hereditary neoplastic syndrome; Hereditary Cancer Syndrome. Identifiers: Orphanet 140162, MedGen C0027672, MeSH D009386, MONDO:0015356.

Submissions (2):

Labcorp Genetics (formerly Invitae), Labcorp
Classification: Uncertain significance for Parathyroid carcinoma. Last evaluated: 2024-05-26. Review status: criteria provided, single submitter. Criteria: Invitae Variant Classification Sherloc (09022015). Collection method: clinical testing. Allele origin: germline.
Comment: This sequence change replaces leucine, which is neutral and non-polar, with phenylalanine, which is neutral and non-polar, at codon 434 of the CDC73 protein (p.Leu434Phe). This variant is not present in population databases (gnomAD no frequency). This variant has not been reported in the literature in individuals affected with CDC73-related conditions. ClinVar contains an entry for this variant (Variation ID: 2450588). Advanced modeling of protein sequence and biophysical properties (such as structural, functional, and spatial information, amino acid conservation, physicochemical variation, residue mobility, and thermodynamic stability) performed at Invitae indicates that this missense variant is not expected to disrupt CDC73 protein function with a negative predictive value of 80%. In summary, the available evidence is currently insufficient to determine the role of this variant in disease. Therefore, it has been classified as a Variant of Uncertain Significance.

Ambry Genetics
Classification: Uncertain significance for Hereditary cancer-predisposing syndrome. Last evaluated: 2023-02-12. Review status: criteria provided, single submitter. Criteria: Ambry Variant Classification Scheme 2023. Collection method: clinical testing. Allele origin: germline.
Comment: The p.L434F variant (also known as c.1300C>T), located in coding exon 14 of the CDC73 gene, results from a C to T substitution at nucleotide position 1300. The leucine at codon 434 is replaced by phenylalanine, an amino acid with highly similar properties. This amino acid position is conserved. In addition, the in silico prediction for this alteration is inconclusive. Since supporting evidence is limited at this time, the clinical significance of this alteration remains unclear.